The following is an entry in ClinVar:

NM_152328.5(ADSS1):c.225G>C (p.Val75=)

Gene: ADSS1 (adenylosuccinate synthase 1; plus strand). Cytogenetic location: 14q32.33.
Variant type: single nucleotide variant.
Coding change: c.225G>C on transcript NM_152328.5 (MANE Select); coding-DNA position 225, G replaced by C.
Protein change: p.Val75=; no amino-acid change (valine 75 retained).
Molecular consequence: synonymous variant. On other transcripts: 5 prime UTR variant (1).
Genome position (GRCh38, 1-based): chr14:104,735,052, G>C. VCF-style: chr14-104735052-G-C. GRCh37 (hg19) VCF-style: chr14-105201389-G-C.
Other names: c.-374G>C (NM_001320424.1); c.354G>C, p.Val118= (NM_199165.2).
Identifiers: ClinVar variation 3036385 (VCV003036385.2), dbSNP rs201199083, ClinGen allele CA488453077.

ClinVar aggregate classification (germline): Likely benign (0 of 4 stars; one submission).

Conditions:
ADSS1-related disorder. Also called: ADSS1-related condition.

Submission:

PreventionGenetics, part of Exact Sciences
Classification: Likely benign for ADSS1-related condition. Last evaluated: 2020-12-15. Review status: no assertion criteria provided. Collection method: clinical testing. Allele origin: germline.
Comment: This variant is classified as likely benign based on ACMG/AMP sequence variant interpretation guidelines (Richards et al. 2015 PMID: 25741868, with internal and published modifications).